The following is an entry in ClinVar:

NM_001903.5(CTNNA1):c.658dup (p.Ile220fs)

Gene: CTNNA1 (catenin alpha 1; plus strand). Cytogenetic location: 5q31.2.
Variant type: Duplication.
Coding change: c.658dup on transcript NM_001903.5 (MANE Select); coding-DNA position 658, one base duplicated (A; older notation c.658dupA).
Protein change: p.Ile220fs; shifts the reading frame from isoleucine 220.
Molecular consequence: frameshift variant.
Genome position (GRCh38, 1-based): chr5:138,824,599, A duplicated. VCF-style (leftmost placement, unchanged base first): chr5-138824598-G-GA. GRCh37 (hg19) VCF-style: chr5-138160287-G-GA.
Other names: c.658dup, p.Ile220fs (NM_001290307.3, NM_001323982.2, NM_001323983.1 and 3 more transcripts); c.349dup, p.Ile117fs (NM_001290309.3); c.289dup, p.Ile97fs (NM_001290310.3); short protein forms I117fs, I220fs, I97fs.
Identifiers: ClinVar variation 4876050 (VCV004876050.1).
Genomic context (GRCh38, chr5:138,824,598, plus strand): 5'-AGATGTTGGCCATCGTGATCAGATGGCTGCAGCTAGAGGAATCCTGCAGAAGAACGTTCC[G>GA]ATCCTCTATACTGCATCCCAGGCATGCCTACAGCACCCTGATGTCGCAGCCTATAAGGCC-3'

ClinVar aggregate classification (germline): Pathogenic (1 of 4 stars; one submission).

Conditions:
Hereditary diffuse gastric adenocarcinoma (HDGC). Also called: DIFFUSE GASTRIC AND LOBULAR BREAST CANCER SYNDROME. Identifiers: Orphanet 26106, MedGen C1708349, MONDO:0007648, OMIM 137215.

Submission:

Myriad Genetics, Inc.
Classification: Pathogenic for Hereditary diffuse gastric adenocarcinoma. Last evaluated: 2026-05-15. Review status: criteria provided, single submitter. Criteria: Myriad Autosomal Dominant, Autosomal Recessive and X-Linked Classification Criteria (2023). Collection method: clinical testing. Allele origin: unknown.
Comment: This variant is considered pathogenic. This variant creates a frameshift predicted to result in premature protein truncation.